The following is an entry in ClinVar:

NM_005908.4(MANBA):c.50C>T (p.Thr17Ile)

Genes: MANBA (mannosidase beta; minus strand), LOC129992886 (ATAC-STARR-seq lymphoblastoid active region 21757; plus strand). Cytogenetic location: 4q24.
Variant type: single nucleotide variant.
Coding change: c.50C>T on transcript NM_005908.4 (MANE Select); coding-DNA position 50, C replaced by T.
Protein change: p.Thr17Ile; replaces threonine 17 with isoleucine.
Molecular consequence: missense variant.
Genome position (GRCh38, 1-based): chr4:102,760,845, G>A on the plus strand (C>T on the coding strand, the complement: MANBA is on the minus strand). VCF-style: chr4-102760845-G-A. GRCh37 (hg19) VCF-style: chr4-103682002-G-A.
Other names: short protein forms T17I.
Identifiers: ClinVar variation 1434532 (VCV001434532.5), dbSNP rs765795629, ClinGen allele CA3027344.

ClinVar aggregate classification (germline): Uncertain significance (1 of 4 stars; one submission).

Conditions:
Beta-D-mannosidosis (MANSB). Also called: MANNOSIDOSIS, BETA A, LYSOSOMAL; BETA-MANNOSIDASE DEFICIENCY; LYSOSOMAL BETA-MANNOSIDASE DEFICIENCY; Beta-Mannosidosis. Identifiers: Orphanet 118, MedGen C4048196, MONDO:0009562, OMIM 248510.

Allele frequency attached by ClinVar (database versions not stated): gnomAD exomes 0.00001 and 0.00002; ExAC 0.00010; TOPMed 0.00007; gnomAD 0.00001.
gnomAD v4.1: 12 of 1,571,314 alleles (0.00076%); highest among the groups gnomAD compares: Admixed American, 0.0074%; no homozygotes.

Submission:

Labcorp Genetics (formerly Invitae), Labcorp
Classification: Uncertain significance for Beta-D-mannosidosis. Last evaluated: 2022-07-12. Review status: criteria provided, single submitter. Criteria: Invitae Variant Classification Sherloc (09022015). Collection method: clinical testing. Allele origin: germline.
Comment: This sequence change replaces threonine, which is neutral and polar, with isoleucine, which is neutral and non-polar, at codon 17 of the MANBA protein (p.Thr17Ile). The frequency data for this variant in the population databases is considered unreliable, as metrics indicate poor data quality at this position in the gnomAD database. This variant has not been reported in the literature in individuals affected with MANBA-related conditions. ClinVar contains an entry for this variant (Variation ID: 1434532). Algorithms developed to predict the effect of missense changes on protein structure and function output the following: SIFT: "Tolerated"; PolyPhen-2: "Not Available"; Align-GVGD: "Class C0". The isoleucine amino acid residue is found in multiple mammalian species, which suggests that this missense change does not adversely affect protein function. In summary, the available evidence is currently insufficient to determine the role of this variant in disease. Therefore, it has been classified as a Variant of Uncertain Significance.